The following is an entry in ClinVar:

NM_206933.4(USH2A):c.11047+1G>A

Gene: USH2A (usherin; minus strand). Cytogenetic location: 1q41.
Variant type: single nucleotide variant.
Coding change: c.11047+1G>A on transcript NM_206933.4 (MANE Select); the canonical splice donor site of the intron after coding-DNA position 11047, G replaced by A.
Molecular consequence: splice donor variant.
Genome position (GRCh38, 1-based): chr1:215,766,680, C>T on the plus strand (G>A on the coding strand, the complement: USH2A is on the minus strand). VCF-style: chr1-215766680-C-T. GRCh37 (hg19) VCF-style: chr1-215940022-C-T.
Identifiers: ClinVar variation 501315 (VCV000501315.23), dbSNP rs201730567, ClinGen allele CA16609670.

ClinVar aggregate classification (germline): Pathogenic/Likely pathogenic. Review status: criteria provided, multiple submitters, no conflicts (2 of 4 stars). 10 submissions from 10 submitters: Pathogenic (7); Likely pathogenic (2). 1 of the submissions does not count toward it. Last evaluated 2025-09-15.

Conditions:
USH2A-related disorder. Also called: USH2A-related condition; USH2A-related disorders. Identifiers: MedGen CN239332.
Retinitis pigmentosa 39 (RP39). Identifiers: Orphanet 791, MedGen C3151138, MONDO:0013436, OMIM 613809.
Usher syndrome. Also called: Usher's syndrome; Usher Syndromes. Identifiers: Orphanet 886, MedGen CN469326, MeSH D052245, MONDO:0019501. Disease mechanism: loss of function.
Usher syndrome type 2A. Also called: USHER SYNDROME, TYPE IIA; RETINAL DISEASE IN USHER SYNDROME TYPE IIA, MODIFIER OF. Identifiers: Orphanet 231178, Orphanet 886, MedGen C1848634, MONDO:0010169, OMIM 276901.

Allele frequency attached by ClinVar (database versions not stated): gnomAD 0.00001; gnomAD exomes 0.00001; TOPMed 0.00001.
gnomAD v4.1: 13 of 1,612,640 alleles (0.00081%); highest among the groups gnomAD compares: African/African-American, 0.0013%; no homozygotes.

Submissions (10):

Natera, Inc.
Classification: Pathogenic for Usher syndrome type 2A. Last evaluated: 2025-09-15. Review status: criteria provided, single submitter. Criteria: Natera Variant Classification Schema (03/2026). Collection method: clinical testing. Allele origin: germline.
Comment: The c.11047+1G>A variant in USH2A is a canonical splice donor site variant predicted to affect pre-mRNA splicing, which may result in an abnormal transcript and altered protein product. This variant is expected to result in nonsense mediated decay, truncation, or a dysfunctional protein product. This variant is rare in the general population with a frequency below the threshold expected for the associated phenotype(s). This variant has been observed in one or more individuals affected with the associated recessive disease, as either homozygous or compound heterozygous with a second variant (PMID: 22135276). Given the available evidence, this variant is classified as Pathogenic.

Labcorp Genetics (formerly Invitae), Labcorp
Classification: Pathogenic. Last evaluated: 2024-10-11. Review status: criteria provided, single submitter. Criteria: Invitae Variant Classification Sherloc (09022015). Collection method: clinical testing. Allele origin: germline.
Comment: This sequence change affects a donor splice site in intron 56 of the USH2A gene. It is expected to disrupt RNA splicing. Variants that disrupt the donor or acceptor splice site typically lead to a loss of protein function (PMID: 16199547), and loss-of-function variants in USH2A are known to be pathogenic (PMID: 10729113, 10909849, 20507924, 25649381). This variant is present in population databases (rs201730567, gnomAD 0.007%). Disruption of this splice site has been observed in individuals with clinical features of USH2A-related conditions (PMID: 22135276; internal data). ClinVar contains an entry for this variant (Variation ID: 501315). Algorithms developed to predict the effect of sequence changes on RNA splicing suggest that this variant may disrupt the consensus splice site. For these reasons, this variant has been classified as Pathogenic.

GeneDx
Classification: Likely pathogenic. Last evaluated: 2024-08-22. Review status: criteria provided, single submitter. Criteria: GeneDx Variant Classification Process June 2021. Collection method: clinical testing. Allele origin: germline. Affected: yes.
Comment: Canonical splice site variant predicted to result in an in-frame loss of the adjacent exon in a gene for which loss of function is a known mechanism of disease; Not observed at significant frequency in large population cohorts (gnomAD); This variant is associated with the following publications: (PMID: 35457016, 24603341, 22135276, 31964843, 35266249)

Fulgent Genetics
Classification: Likely pathogenic for Usher syndrome type 2A; Retinitis pigmentosa 39. Last evaluated: 2024-05-07. Review status: criteria provided, single submitter. Criteria: ACMG Guidelines, 2015. Collection method: clinical testing. Allele origin: germline.

Women's Health and Genetics/Laboratory Corporation of America, LabCorp
Classification: Pathogenic for Usher syndrome. Last evaluated: 2024-04-19. Review status: criteria provided, single submitter. Criteria: LabCorp Variant Classification Summary - May 2015. Collection method: clinical testing. Allele origin: germline.
Comment: Variant summary: USH2A c.11047+1G>A is located in a canonical splice-site and is predicted to affect mRNA splicing resulting in a significantly altered protein due to either exon skipping, shortening, or inclusion of intronic material. Several computational tools predict a significant impact on normal splicing: Four predict the variant abolishes the canonical 5' splicing donor site. However, these predictions have yet to be confirmed by functional studies. The variant was absent in 251340 control chromosomes. c.11047+1G>A has been reported in the literature in individuals affected with Usher Syndrome (example, Le Quesne Stabej_2012, Maranhao_2014). These data indicate that the variant is likely to be associated with disease. To our knowledge, no experimental evidence demonstrating an impact on protein function has been reported. The following publications have been ascertained in the context of this evaluation (PMID: 22135276, 24603341). ClinVar contains an entry for this variant (Variation ID: 501315). Based on the evidence outlined above, the variant was classified as pathogenic.

Baylor Genetics
Classification: Pathogenic for Retinitis pigmentosa 39. Last evaluated: 2024-02-04. Review status: criteria provided, single submitter. Criteria: ACMG Guidelines, 2015. Collection method: clinical testing. Allele origin: unknown.

Genome-Nilou Lab
Classification: Pathogenic for Retinitis pigmentosa 39. Last evaluated: 2023-04-11. Review status: criteria provided, single submitter. Criteria: ACMG Guidelines, 2015. Collection method: clinical testing. Allele origin: germline. Affected: no.

Blueprint Genetics
Classification: Pathogenic for USH2A-related disorders. Last evaluated: 2021-02-08. Review status: criteria provided, single submitter. Criteria: ACMG Guidelines, 2015. Collection method: clinical testing. Allele origin: germline. Affected: yes. Observed: 5 variant alleles.

Eurofins Ntd Llc (ga)
Classification: Pathogenic. Last evaluated: 2017-04-11. Review status: criteria provided, single submitter. Criteria: EGL Classification Definitions 2015. Collection method: clinical testing. Allele origin: germline. Observed: 1 variant allele, 1 heterozygote.

Counsyl
Classification: Pathogenic for Retinitis pigmentosa 39. Last evaluated: 2017-11-03. Review status: no assertion criteria provided. Collection method: clinical testing. Allele origin: unknown. Not counted in ClinVar's aggregate classification.

Literature cited by the submitters: PubMed 22135276 (cited by 4 submitters); PubMed 16199547 (cited by Labcorp Genetics (formerly Invitae), Labcorp); PubMed 10729113 (cited by Labcorp Genetics (formerly Invitae), Labcorp); PubMed 10909849 (cited by Labcorp Genetics (formerly Invitae), Labcorp); PubMed 20507924 (cited by Labcorp Genetics (formerly Invitae), Labcorp); PubMed 25649381 (cited by Labcorp Genetics (formerly Invitae), Labcorp); PubMed 24603341 (cited by Women's Health and Genetics/Laboratory Corporation of America, LabCorp).